The following is an entry in ClinVar:

ClinVar aggregate classification (germline): Uncertain significance (1 of 4 stars; one submission).

Conditions:
Peroxisome biogenesis disorder. Identifiers: Orphanet 79189, MedGen C1832200, MONDO:0019234. Disease mechanism: loss of function.

Allele frequency attached by ClinVar (database versions not stated): gnomAD 0.00001.

Submission:

Labcorp Genetics (formerly Invitae), Labcorp
Classification: Uncertain significance for Peroxisome biogenesis disorder. Last evaluated: 2021-12-19. Review status: criteria provided, single submitter. Criteria: Invitae Variant Classification Sherloc (09022015). Collection method: clinical testing. Allele origin: germline.
Comment: This sequence change replaces proline, which is neutral and non-polar, with threonine, which is neutral and polar, at codon 13 of the PEX6 protein (p.Pro13Thr). The frequency data for this variant in the population databases is considered unreliable, as metrics indicate poor data quality at this position in the gnomAD database. This variant has not been reported in the literature in individuals affected with PEX6-related conditions. Algorithms developed to predict the effect of missense changes on protein structure and function are either unavailable or do not agree on the potential impact of this missense change (SIFT: "Tolerated"; PolyPhen-2: "Probably Damaging"; Align-GVGD: "Class C0"). In summary, the available evidence is currently insufficient to determine the role of this variant in disease. Therefore, it has been classified as a Variant of Uncertain Significance.

NM_000287.4(PEX6):c.37C>A (p.Pro13Thr)

Gene: PEX6 (peroxisomal biogenesis factor 6; minus strand). Cytogenetic location: 6p21.1.
Variant type: single nucleotide variant.
Coding change: c.37C>A on transcript NM_000287.4 (MANE Select); coding-DNA position 37, C replaced by A.
Protein change: p.Pro13Thr; replaces proline 13 with threonine.
Molecular consequence: missense variant. On other transcripts: non-coding transcript variant (1).
Genome position (GRCh38, 1-based): chr6:42,979,114, G>T on the plus strand (C>A on the coding strand, the complement: PEX6 is on the minus strand). VCF-style: chr6-42979114-G-T. GRCh37 (hg19) VCF-style: chr6-42946852-G-T.
Other names: c.37C>A, p.Pro13Thr (NM_001316313.2); short protein forms P13T.
Identifiers: ClinVar variation 2048322 (VCV002048322.1), dbSNP rs780870711, ClinGen allele CA3811648.